The following is an entry in ClinVar:

ClinVar aggregate classification (germline): Uncertain significance. Review status: criteria provided, multiple submitters, no conflicts (2 of 4 stars). 2 submissions from 2 submitters: Uncertain significance (2). Last evaluated 2025-05-07.

Conditions:
Hereditary cancer-predisposing syndrome. Also called: Tumor predisposition; Hereditary neoplastic syndrome; Neoplastic Syndromes, Hereditary; Hereditary Cancer Syndrome. Identifiers: Orphanet 140162, MedGen C0027672, MeSH D009386, MONDO:0015356.
Hereditary nonpolyposis colorectal neoplasms. Identifiers: MedGen C0009405, MeSH D003123.

Allele frequency attached by ClinVar (database versions not stated): gnomAD exomes below 0.00001.
gnomAD v4.1: 1 of 1,614,188 alleles (0.000062%); highest among the groups gnomAD compares: Non-Finnish European, 0.000085%; no homozygotes.

Submissions (2):

Labcorp Genetics (formerly Invitae), Labcorp
Classification: Uncertain significance for Hereditary nonpolyposis colorectal neoplasms. Last evaluated: 2025-05-07. Review status: criteria provided, single submitter. Criteria: Invitae Variant Classification Sherloc (09022015). Collection method: clinical testing. Allele origin: germline.
Comment: This sequence change replaces glycine, which is neutral and non-polar, with alanine, which is neutral and non-polar, at codon 283 of the MSH6 protein (p.Gly283Ala). This variant is not present in population databases (gnomAD no frequency). This variant has not been reported in the literature in individuals affected with MSH6-related conditions. ClinVar contains an entry for this variant (Variation ID: 844918). Invitae Evidence Modeling of protein sequence and biophysical properties (such as structural, functional, and spatial information, amino acid conservation, physicochemical variation, residue mobility, and thermodynamic stability) indicates that this missense variant is not expected to disrupt MSH6 protein function with a negative predictive value of 95%. In summary, the available evidence is currently insufficient to determine the role of this variant in disease. Therefore, it has been classified as a Variant of Uncertain Significance.

Ambry Genetics
Classification: Uncertain significance for Hereditary cancer-predisposing syndrome. Last evaluated: 2025-02-08. Review status: criteria provided, single submitter. Criteria: Ambry Variant Classification Scheme 2023. Collection method: clinical testing. Allele origin: germline.
Comment: The p.G283A variant (also known as c.848G>C), located in coding exon 4 of the MSH6 gene, results from a G to C substitution at nucleotide position 848. The glycine at codon 283 is replaced by alanine, an amino acid with similar properties. This amino acid position is not well conserved in available vertebrate species. In addition, this alteration is predicted to be tolerated by in silico analysis. Since supporting evidence is limited at this time, the clinical significance of this alteration remains unclear.

NM_000179.3(MSH6):c.848G>C (p.Gly283Ala)

Gene: MSH6 (mutS homolog 6; plus strand). Cytogenetic location: 2p16.3.
Variant type: single nucleotide variant.
Coding change: c.848G>C on transcript NM_000179.3 (MANE Select); coding-DNA position 848, G replaced by C.
Protein change: p.Gly283Ala; replaces glycine 283 with alanine.
Molecular consequence: missense variant. On other transcripts: 5 prime UTR variant (2).
Genome position (GRCh38, 1-based): chr2:47,798,831, G>C. VCF-style: chr2-47798831-G-C. GRCh37 (hg19) VCF-style: chr2-48025970-G-C.
Other names: c.458G>C, p.Gly153Ala (NM_001281492.2); c.-59G>C (NM_001281493.2, NM_001281494.2); short protein forms G153A, G283A.
Identifiers: ClinVar variation 844918 (VCV000844918.13), dbSNP rs1669262436, ClinGen allele CA346740541.